The following is an entry in ClinVar:

ClinVar aggregate classification (germline): Uncertain significance (1 of 4 stars; one submission).

Submission:

Labcorp Genetics (formerly Invitae), Labcorp
Classification: Uncertain significance. Last evaluated: 2022-07-06. Review status: criteria provided, single submitter. Criteria: Invitae Variant Classification Sherloc (09022015). Collection method: clinical testing. Allele origin: germline.
Comment: In summary, the available evidence is currently insufficient to determine the role of this variant in disease. Therefore, it has been classified as a Variant of Uncertain Significance. Algorithms developed to predict the effect of sequence changes on RNA splicing suggest that this variant may disrupt the consensus splice site. ClinVar contains an entry for this variant (Variation ID: 1431282). This variant has not been reported in the literature in individuals affected with CACNA2D4-related conditions. This variant is not present in population databases (gnomAD no frequency). This sequence change falls in intron 9 of the CACNA2D4 gene. It does not directly change the encoded amino acid sequence of the CACNA2D4 protein.

NM_172364.5(CACNA2D4):c.1069-18A>G

Gene: CACNA2D4 (calcium voltage-gated channel auxiliary subunit alpha2delta 4; minus strand). Cytogenetic location: 12p13.33.
Variant type: single nucleotide variant.
Coding change: c.1069-18A>G on transcript NM_172364.5 (MANE Select); 18 bases into the intron before coding-DNA position 1069, A replaced by G.
Molecular consequence: intron variant.
Genome position (GRCh38, 1-based): chr12:1,885,094, T>C on the plus strand (A>G on the coding strand, the complement: CACNA2D4 is on the minus strand). VCF-style: chr12-1885094-T-C. GRCh37 (hg19) VCF-style: chr12-1994260-T-C.
Identifiers: ClinVar variation 1431282 (VCV001431282.8), dbSNP rs2154449764, ClinGen allele CA2573147828.
Genomic context (GRCh38, chr12:1,885,094, plus strand): 5'-CCACACCTTTGACCATCAACTCCTCCACCAGCAGTTTGAAATGCTGCCATGGGTGAGATA[T>C]TAGAGAAGCATCAGGGGGTTGAGTGGGCCAGTGGAGCTTCATGTTTGGTGTTAATTTGGG-3'